The following is an entry in ClinVar:

NM_015164.4(PLEKHM2):c.2541C>G (p.Asp847Glu)

Gene: PLEKHM2 (pleckstrin homology and RUN domain containing M2; plus strand). Cytogenetic location: 1p36.21.
Variant type: single nucleotide variant.
Coding change: c.2541C>G on transcript NM_015164.4 (MANE Select); coding-DNA position 2541, C replaced by G.
Protein change: p.Asp847Glu; replaces aspartic acid 847 with glutamic acid.
Molecular consequence: missense variant.
Genome position (GRCh38, 1-based): chr1:15,731,964, C>G. VCF-style: chr1-15731964-C-G. GRCh37 (hg19) VCF-style: chr1-16058459-C-G.
Other names: short protein forms D847E.
Identifiers: ClinVar variation 1416948 (VCV001416948.8), dbSNP rs1208216470, ClinGen allele CA338573446.

ClinVar aggregate classification (germline): Uncertain significance (1 of 4 stars; one submission).

Allele frequency attached by ClinVar (database versions not stated): gnomAD exomes below 0.00001; TOPMed below 0.00001.
gnomAD v4.1: 5 of 1,612,194 alleles (0.00031%); highest among the groups gnomAD compares: Non-Finnish European, 0.00042%; no homozygotes.

Submission:

Labcorp Genetics (formerly Invitae), Labcorp
Classification: Uncertain significance. Last evaluated: 2021-05-18. Review status: criteria provided, single submitter. Criteria: Invitae Variant Classification Sherloc (09022015). Collection method: clinical testing. Allele origin: germline.
Comment: In summary, the available evidence is currently insufficient to determine the role of this variant in disease. Therefore, it has been classified as a Variant of Uncertain Significance. Algorithms developed to predict the effect of missense changes on protein structure and function (SIFT, PolyPhen-2, Align-GVGD) all suggest that this variant is likely to be tolerated, but these predictions have not been confirmed by published functional studies and their clinical significance is uncertain. This variant has not been reported in the literature in individuals with PLEKHM2-related conditions. This variant is not present in population databases (ExAC no frequency). This sequence change replaces aspartic acid with glutamic acid at codon 847 of the PLEKHM2 protein (p.Asp847Glu). The aspartic acid residue is moderately conserved and there is a small physicochemical difference between aspartic acid and glutamic acid.